The following is an entry in ClinVar:

ClinVar aggregate classification (germline): Uncertain significance (1 of 4 stars; one submission).

Allele frequency attached by ClinVar (database versions not stated): gnomAD 0.00001; gnomAD exomes 0.00001.

Submission:

CeGaT Center for Human Genetics Tuebingen
Classification: Uncertain significance. Last evaluated: 2022-12-01. Review status: criteria provided, single submitter. Criteria: CeGaT Center For Human Genetics Tuebingen Variant Classification Criteria Version 2. Collection method: clinical testing. Allele origin: germline. Affected: yes. Observed: 1 variant allele.
Comment: SPEN: PM2, BP4

NM_015001.3(SPEN):c.2833C>T (p.Leu945Phe)

Gene: SPEN (spen family transcriptional repressor; plus strand). Cytogenetic location: 1p36.13.
Variant type: single nucleotide variant.
Coding change: c.2833C>T on transcript NM_015001.3 (MANE Select); coding-DNA position 2833, C replaced by T.
Protein change: p.Leu945Phe; replaces leucine 945 with phenylalanine.
Molecular consequence: missense variant.
Genome position (GRCh38, 1-based): chr1:15,929,073, C>T. VCF-style: chr1-15929073-C-T. GRCh37 (hg19) VCF-style: chr1-16255568-C-T.
Other names: short protein forms L945F.
Identifiers: ClinVar variation 2638311 (VCV002638311.24), dbSNP rs956946321, ClinGen allele CA18276999.
Genomic context (GRCh38, chr1:15,929,073, plus strand): 5'-GCAAAATCTGACTTGTCTAAACTGGAATCAGTTAGAATGAAAGTACCAAAGGAAAAGGGG[C>T]TTTCAAGCCATGTTGAAGTGGTGGAGAAGGAAGGCAGGCTTAAAGCCAGGAAGCACCTCA-3'
Protein context (NP_055816.2, residues 935-955): VRMKVPKEKG[Leu945Phe]SSHVEVVEKE